The following is an entry in ClinVar:

NM_000551.4(VHL):c.340+742G>T

Genes: VHL (von Hippel-Lindau tumor suppressor; plus strand), LOC107303340 (3p25 von Hippel-Lindau tumor suppressor, E3 ubiquitin protein ligase Alu-mediated recombination region; plus strand). Cytogenetic location: 3p25.3.
Variant type: single nucleotide variant.
Coding change: c.340+742G>T on transcript NM_000551.4 (MANE Select); 742 bases into the intron after coding-DNA position 340, G replaced by T.
Molecular consequence: intron variant. On other transcripts: synonymous variant (1).
Genome position (GRCh38, 1-based): chr3:10,142,929, G>T. VCF-style: chr3-10142929-G-T. GRCh37 (hg19) VCF-style: chr3-10184613-G-T.
Other names: c.507G>T (NM_001354723.1); c.507G>T, p.Gly169= (NM_001354723.2); c.340+742G>T (NM_198156.3).
Identifiers: ClinVar variation 847524 (VCV000847524.10), dbSNP rs186099278, ClinGen allele CA70046809.
Genomic context (GRCh38, chr3:10,142,929, plus strand): 5'-TGTTGGCGCCGGAAGAGCCGACCGTGTGTGGCGTGGGAAATTGACTTACCTGCCTGCTGG[G>T]AGATGGAGGGGTTGCGGTTGTGTGGTTTCAGTTAAGGAGCACTTCCCGGAGAAGGAAGAG-3'

ClinVar aggregate classification (germline): Likely benign. Review status: criteria provided, multiple submitters, no conflicts (2 of 4 stars). 3 submissions from 3 submitters: Likely benign (2). 1 of the submissions does not count toward it. Last evaluated 2026-02-03.

Conditions:
Chuvash polycythemia. Also called: POLYCYTHEMIA, VHL-DEPENDENT. Identifiers: Orphanet 238557, MedGen C1837915, MONDO:0009892, OMIM 263400.
Von Hippel-Lindau syndrome (VHLS). Also called: VHL syndrome; Von Hippel-Lindau; von Hippel–Lindau syndrome. Identifiers: Orphanet 892, MedGen C0019562, MONDO:0008667, OMIM 193300. Disease mechanism: loss of function.
VHL-related disorder. Also called: VHL-related condition.

Allele frequency attached by ClinVar (database versions not stated): gnomAD 0.00009; TOPMed 0.00009; 1000 Genomes Project 30x 0.00016; 1000 Genomes Project 0.00020.

Submissions (3):

Labcorp Genetics (formerly Invitae), Labcorp
Classification: Likely benign for Von Hippel-Lindau syndrome; Chuvash polycythemia. Last evaluated: 2026-02-03. Review status: criteria provided, single submitter. Criteria: Invitae Variant Classification Sherloc (09022015). Collection method: clinical testing. Allele origin: germline.

Center for Genomic Medicine, Rigshospitalet, Copenhagen University Hospital
Classification: Likely benign. Last evaluated: 2025-03-04. Review status: criteria provided, single submitter. Criteria: ACMG Guidelines, 2015. Collection method: clinical testing. Allele origin: germline.

PreventionGenetics, part of Exact Sciences
Classification: Likely benign for VHL-related condition. Last evaluated: 2024-06-04. Review status: no assertion criteria provided. Collection method: clinical testing. Allele origin: germline. Not counted in ClinVar's aggregate classification.
Comment: This variant is classified as likely benign based on ACMG/AMP sequence variant interpretation guidelines (Richards et al. 2015 PMID: 25741868, with internal and published modifications).